The following is an entry in ClinVar:

ClinVar aggregate classification (germline): Uncertain significance. Review status: criteria provided, multiple submitters, no conflicts (2 of 4 stars). 3 submissions from 3 submitters: Uncertain significance (3). Last evaluated 2025-01-07.

Conditions:
Cardiovascular phenotype. Identifiers: MedGen CN230736.
Dilated cardiomyopathy 1CC (CMD1CC). Identifiers: Orphanet 154, MedGen C2751084, MONDO:0013147, OMIM 613122.
Hypertrophic cardiomyopathy 20. Identifiers: MedGen C3151267, MONDO:0013477, OMIM 613876.

Allele frequency attached by ClinVar (database versions not stated): gnomAD exomes 0.00001 and 0.00002; ExAC 0.00002; TOPMed 0.00002; gnomAD 0.00004.

Submissions (3):

Ambry Genetics
Classification: Uncertain significance for Cardiovascular phenotype. Last evaluated: 2025-01-07. Review status: criteria provided, single submitter. Criteria: Ambry Variant Classification Scheme 2023. Collection method: clinical testing. Allele origin: germline.
Comment: The p.K510R variant (also known as c.1529A>G), located in coding exon 11 of the NEXN gene, results from an A to G substitution at nucleotide position 1529. The lysine at codon 510 is replaced by arginine, an amino acid with highly similar properties. This amino acid position is conserved. In addition, the in silico prediction for this alteration is inconclusive. Since supporting evidence is limited at this time, the clinical significance of this alteration remains unclear.

Labcorp Genetics (formerly Invitae), Labcorp
Classification: Uncertain significance for Dilated cardiomyopathy 1CC; Hypertrophic cardiomyopathy 20. Last evaluated: 2022-07-06. Review status: criteria provided, single submitter. Criteria: Invitae Variant Classification Sherloc (09022015). Collection method: clinical testing. Allele origin: germline.
Comment: This sequence change replaces lysine, which is basic and polar, with arginine, which is basic and polar, at codon 510 of the NEXN protein (p.Lys510Arg). This variant is present in population databases (rs759726867, gnomAD 0.004%). This variant has not been reported in the literature in individuals affected with NEXN-related conditions. ClinVar contains an entry for this variant (Variation ID: 870088). Algorithms developed to predict the effect of missense changes on protein structure and function are either unavailable or do not agree on the potential impact of this missense change (SIFT: "Deleterious"; PolyPhen-2: "Possibly Damaging"; Align-GVGD: "Class C0"). Algorithms developed to predict the effect of sequence changes on RNA splicing suggest that this variant may create or strengthen a splice site. In summary, the available evidence is currently insufficient to determine the role of this variant in disease. Therefore, it has been classified as a Variant of Uncertain Significance.

Agnes Ginges Centre for Molecular Cardiology, Centenary Institute
Classification: Uncertain significance for Hypertrophic cardiomyopathy 20. Last evaluated: 2018-10-16. Review status: criteria provided, single submitter. Criteria: ACMG Guidelines, 2015. Collection method: research. Allele origin: germline. Inheritance: Autosomal dominant inheritance. Affected: yes.
Comment: NEXN Lys510Arg has not been previously reported but is present in population databases such as the Genome Aggregation Database (AF=0.000014). In silico tools MutationTaster and PolyPhen2 predict this variant to be deleterious but SIFT predicts this variant to be 'tolerated'. Based on this information we classify this as a variant of 'uncertain significance'.

NM_144573.4(NEXN):c.1529A>G (p.Lys510Arg)

Gene: NEXN (nexilin F-actin binding protein; plus strand). Cytogenetic location: 1p31.1.
Variant type: single nucleotide variant.
Coding change: c.1529A>G on transcript NM_144573.4 (MANE Select); coding-DNA position 1529, A replaced by G.
Protein change: p.Lys510Arg; replaces lysine 510 with arginine.
Molecular consequence: missense variant.
Genome position (GRCh38, 1-based): chr1:77,942,078, A>G. VCF-style: chr1-77942078-A-G. GRCh37 (hg19) VCF-style: chr1-78407763-A-G.
Other names: c.1337A>G, p.Lys446Arg (NM_001172309.2); short protein forms K510R, K446R.
Identifiers: ClinVar variation 870088 (VCV000870088.9), dbSNP rs759726867, ClinGen allele CA918920.